The following is an entry in ClinVar:

NM_020117.11(LARS1):c.1230+172dup

Gene: LARS1 (leucyl-tRNA synthetase 1; minus strand). Cytogenetic location: 5q32.
Variant type: Duplication.
Coding change: c.1230+172dup on transcript NM_020117.11 (MANE Select); 172 bases into the intron after coding-DNA position 1230, one base duplicated (T; older notation c.1230+172dupT).
Molecular consequence: intron variant.
Genome position (GRCh38, 1-based): chr5:146,153,561, A duplicated on the plus strand (T on the coding strand, the reverse complement: LARS1 is on the minus strand); the first of 2 consecutive A bases (chr5:146,153,561-146,153,562); duplicating either gives the same sequence. VCF-style (leftmost placement, unchanged base first): chr5-146153560-G-GA. GRCh37 (hg19) VCF-style: chr5-145533123-G-GA.
Other names: c.1068+172dup (NM_001317965.2); c.1149+172dup (NM_016460.4); c.1092+172dup (NM_001317964.2).
Identifiers: ClinVar variation 684153 (VCV000684153.1), dbSNP rs57378167, ClinGen allele CA128850831.

ClinVar aggregate classification (germline): Benign (1 of 4 stars; one submission).

Submission:

GeneDx
Classification: Benign. Last evaluated: 2018-06-14. Review status: criteria provided, single submitter. Criteria: GeneDx Variant Classification (06012015). Collection method: clinical testing. Allele origin: germline. Affected: yes.
Comment: This variant is considered likely benign or benign based on one or more of the following criteria: it is a conservative change, it occurs at a poorly conserved position in the protein, it is predicted to be benign by multiple in silico algorithms, and/or has population frequency not consistent with disease.